The following is an entry in ClinVar:

ClinVar aggregate classification (germline): Uncertain significance (1 of 4 stars; one submission).

Conditions:
Hereditary spastic paraplegia 30. Identifiers: Orphanet 101010, MedGen C5235139, MONDO:0012476.
Neuropathy, hereditary sensory, type 2C. Also called: KIF1A-Related HSAN2 (HSAN2C); Hereditary sensory and autonomic neuropathy type IIC. Identifiers: Orphanet 970, MedGen C3280168, MONDO:0013634, OMIM 614213.
Intellectual disability, autosomal dominant 9 (NESCAVS). Also called: KIF1A-Related Neurodevelopmental Disorder; NESCAV SYNDROME. Identifiers: Orphanet 662367, MedGen C5393830, MONDO:0013656, OMIM 614255.

Submission:

Labcorp Genetics (formerly Invitae), Labcorp
Classification: Uncertain significance for Hereditary spastic paraplegia 30; Neuropathy, hereditary sensory, type 2C; Intellectual disability, autosomal dominant 9. Last evaluated: 2022-09-17. Review status: criteria provided, single submitter. Criteria: Invitae Variant Classification Sherloc (09022015). Collection method: clinical testing. Allele origin: germline.
Comment: In summary, the available evidence is currently insufficient to determine the role of this variant in disease. Therefore, it has been classified as a Variant of Uncertain Significance. Algorithms developed to predict the effect of sequence changes on RNA splicing suggest that this variant may create or strengthen a splice site. ClinVar contains an entry for this variant (Variation ID: 1475077). This variant has not been reported in the literature in individuals affected with KIF1A-related conditions. This variant is not present in population databases (gnomAD no frequency). This sequence change affects codon 1089 of the KIF1A mRNA. It is a 'silent' change, meaning that it does not change the encoded amino acid sequence of the KIF1A protein.

NM_001244008.2(KIF1A):c.3570C>T (p.Cys1190=)

Gene: KIF1A (kinesin family member 1A; minus strand). Cytogenetic location: 2q37.3.
Variant type: single nucleotide variant.
Coding change: c.3570C>T on transcript NM_001244008.2 (MANE Select); coding-DNA position 3570, C replaced by T.
Protein change: p.Cys1190=; no amino-acid change (cysteine 1190 retained).
Molecular consequence: synonymous variant.
Genome position (GRCh38, 1-based): chr2:240,743,956, G>A on the plus strand (C>T on the coding strand, the complement: KIF1A is on the minus strand). VCF-style: chr2-240743956-G-A. GRCh37 (hg19) VCF-style: chr2-241683373-G-A.
Other names: c.3294C>T, p.Cys1098= (NM_001320705.2, NM_001330289.2, NM_001379638.1); c.3369C>T, p.Cys1123= (NM_001330290.2, NM_001379634.1, NM_001379635.1 and 1 more transcripts); c.3645C>T, p.Cys1215= (NM_001379631.1); c.3519C>T, p.Cys1173= (NM_001379632.1); c.3543C>T, p.Cys1181= (NM_001379633.1, NM_001379642.1, NM_001379645.1); c.3267C>T, p.Cys1089= (NM_001379636.1, NM_001379639.1, NM_001379641.1 and 5 more transcripts); c.3342C>T, p.Cys1114= (NM_001379637.1, NM_001379648.1); c.3264C>T, p.Cys1088= (NM_001379640.1).
Identifiers: ClinVar variation 1475077 (VCV001475077.8), dbSNP rs2125777593, ClinGen allele CA432028131.